The following is an entry in ClinVar:

NM_002907.4(RECQL):c.728G>A (p.Arg243Gln)

Gene: RECQL (RecQ like helicase; minus strand). Cytogenetic location: 12p12.1.
Variant type: single nucleotide variant.
Coding change: c.728G>A on transcript NM_002907.4 (MANE Select); coding-DNA position 728, G replaced by A.
Protein change: p.Arg243Gln; replaces arginine 243 with glutamine.
Molecular consequence: missense variant.
Genome position (GRCh38, 1-based): chr12:21,477,942, C>T on the plus strand (G>A on the coding strand, the complement: RECQL is on the minus strand). VCF-style: chr12-21477942-C-T. GRCh37 (hg19) VCF-style: chr12-21630876-C-T.
Other names: c.728G>A, p.Arg243Gln (NM_032941.3); short protein forms R243Q.
Identifiers: ClinVar variation 1063811 (VCV001063811.12), dbSNP rs2137351160, ClinGen allele CA384124990.

ClinVar aggregate classification (germline): Uncertain significance. Review status: criteria provided, multiple submitters, no conflicts (2 of 4 stars). 2 submissions from 2 submitters: Uncertain significance (2). Last evaluated 2025-11-17.

Allele frequency attached by ClinVar (database versions not stated): gnomAD exomes 0.00001.
gnomAD v4.1: 7 of 1,610,690 alleles (0.00043%); highest among the groups gnomAD compares: South Asian, 0.0011%; no homozygotes.

Submissions (2):

Ambry Genetics
Classification: Uncertain significance. Last evaluated: 2025-11-17. Review status: criteria provided, single submitter. Criteria: Ambry Variant Classification Scheme 2023. Collection method: clinical testing. Allele origin: germline.
Comment: The p.R243Q variant (also known as c.728G>A), located in coding exon 6 of the RECQL gene, results from a G to A substitution at nucleotide position 728. The arginine at codon 243 is replaced by glutamine, an amino acid with highly similar properties. This amino acid position is conserved. In addition, the in silico prediction for this alteration is inconclusive. Since supporting evidence is limited at this time, the clinical significance of this alteration remains unclear.

Labcorp Genetics (formerly Invitae), Labcorp
Classification: Uncertain significance. Last evaluated: 2024-12-10. Review status: criteria provided, single submitter. Criteria: Invitae Variant Classification Sherloc (09022015). Collection method: clinical testing. Allele origin: germline.
Comment: This sequence change replaces arginine, which is basic and polar, with glutamine, which is neutral and polar, at codon 243 of the RECQL protein (p.Arg243Gln). This variant is not present in population databases (gnomAD no frequency). This variant has not been reported in the literature in individuals affected with RECQL-related conditions. ClinVar contains an entry for this variant (Variation ID: 1063811). Invitae Evidence Modeling of protein sequence and biophysical properties (such as structural, functional, and spatial information, amino acid conservation, physicochemical variation, residue mobility, and thermodynamic stability) indicates that this missense variant is not expected to disrupt RECQL protein function with a negative predictive value of 80%. In summary, the available evidence is currently insufficient to determine the role of this variant in disease. Therefore, it has been classified as a Variant of Uncertain Significance.